The following is an entry in ClinVar:

NM_003128.3(SPTBN1):c.5681A>C (p.Lys1894Thr)

Gene: SPTBN1 (spectrin beta, non-erythrocytic 1; plus strand). Cytogenetic location: 2p16.2.
Variant type: single nucleotide variant.
Coding change: c.5681A>C on transcript NM_003128.3 (MANE Select); coding-DNA position 5681, A replaced by C.
Protein change: p.Lys1894Thr; replaces lysine 1894 with threonine.
Molecular consequence: missense variant.
Genome position (GRCh38, 1-based): chr2:54,653,712, A>C. VCF-style: chr2-54653712-A-C. GRCh37 (hg19) VCF-style: chr2-54880849-A-C.
Other names: c.5642A>C, p.Lys1881Thr (NM_178313.3); short protein forms K1881T, K1894T.
Identifiers: ClinVar variation 2707838 (VCV002707838.3), dbSNP rs1680458570, ClinGen allele CA346853178.

ClinVar aggregate classification (germline): Uncertain significance (1 of 4 stars; one submission).

Allele frequency attached by ClinVar (database versions not stated): TOPMed below 0.00001.

Submission:

Labcorp Genetics (formerly Invitae), Labcorp
Classification: Uncertain significance. Last evaluated: 2024-01-07. Review status: criteria provided, single submitter. Criteria: Invitae Variant Classification Sherloc (09022015). Collection method: clinical testing. Allele origin: germline.
Comment: This sequence change replaces lysine, which is basic and polar, with threonine, which is neutral and polar, at codon 1894 of the SPTBN1 protein (p.Lys1894Thr). This variant is not present in population databases (gnomAD no frequency). This variant has not been reported in the literature in individuals affected with SPTBN1-related conditions. Advanced modeling of protein sequence and biophysical properties (such as structural, functional, and spatial information, amino acid conservation, physicochemical variation, residue mobility, and thermodynamic stability) performed at Invitae indicates that this missense variant is not expected to disrupt SPTBN1 protein function with a negative predictive value of 80%. In summary, the available evidence is currently insufficient to determine the role of this variant in disease. Therefore, it has been classified as a Variant of Uncertain Significance.